The following is an entry in ClinVar:

NM_001267550.2(TTN):c.68417C>T (p.Thr22806Ile)

Genes: TTN (titin; minus strand), TTN-AS1 (TTN antisense RNA 1; plus strand). Cytogenetic location: 2q31.2.
Variant type: single nucleotide variant.
Coding change: c.68417C>T on transcript NM_001267550.2 (MANE Select); coding-DNA position 68417, C replaced by T.
Protein change: p.Thr22806Ile; replaces threonine 22806 with isoleucine.
Molecular consequence: missense variant.
Genome position (GRCh38, 1-based): chr2:178,578,098, G>A on the plus strand (C>T on the coding strand, the complement: TTN is on the minus strand). VCF-style: chr2-178578098-G-A. GRCh37 (hg19) VCF-style: chr2-179442825-G-A.
Other names: p.T21165I:ACA>ATA; c.63494C>T, p.Thr21165Ile (NM_001256850.1); c.60713C>T, p.Thr20238Ile (NM_133378.4); c.41222C>T, p.Thr13741Ile (NM_003319.4); c.41597C>T, p.Thr13866Ile (NM_133432.3); c.41798C>T, p.Thr13933Ile (NM_133437.4); short protein forms T20238I, T22806I, T21165I, T13741I, T13866I, T13933I.
Identifiers: ClinVar variation 165870 (VCV000165870.8), dbSNP rs727503573, ClinGen allele CA178556.

ClinVar aggregate classification (germline): Conflicting classifications of pathogenicity. Review status: criteria provided, conflicting classifications (1 of 4 stars). 4 submissions from 4 submitters: Uncertain significance (1); Likely benign (3). Last evaluated 2025-05-06.

Allele frequency attached by ClinVar (database versions not stated): gnomAD exomes 0.00004; ExAC 0.00006; gnomAD below 0.00001 and 0.00001; TOPMed 0.00002.
gnomAD v4.1: 56 of 1,613,104 alleles (0.0035%); highest among the groups gnomAD compares: South Asian, 0.048%; no homozygotes.

Submissions (4):

Women's Health and Genetics/Laboratory Corporation of America, LabCorp
Classification: Likely benign. Last evaluated: 2025-05-06. Review status: criteria provided, single submitter. Criteria: LabCorp Variant Classification Summary - May 2015. Collection method: clinical testing. Allele origin: germline.
Comment: Variant summary: TTN c.60713C>T (p.Thr20238Ile), also reported as "NM_003319:c.C41222T:p.T13741I ", results in a non-conservative amino acid change in the encoded protein sequence. Algorithms developed to predict the effect of missense changes on protein structure and function are either unavailable or do not agree on the potential impact of this missense change. The variant allele was found at a frequency of 3.5e-05 in 1613104 control chromosomes, predominantly at a frequency of 0.00048 within the South Asian subpopulation in the gnomAD database. The observed variant frequency within South Asian control individuals in the gnomAD database is approximately 1.23 fold of the estimated maximal expected allele frequency for a pathogenic variant in TTN causing Autosomal Recessive Titinopathy phenotype (0.00039). c.60713C>T has been observed in at least 1 individual(s) affected with hypertrophic cardiomyopathy (e.g. Lopes_2013), however this is not currently a well established TTN-related condition. These report(s) do not provide unequivocal conclusions about association of the variant with Autosomal Recessive Titinopathy. To our knowledge, no experimental evidence demonstrating an impact on protein function has been reported. The following publication has been ascertained in the context of this evaluation (PMID: 23396983). ClinVar contains an entry for this variant (Variation ID: 165870). Based on the evidence outlined above, the variant was classified as likely benign.

Molecular Diagnostic Laboratory for Inherited Cardiovascular Disease, Montreal Heart Institute
Classification: Likely benign. Last evaluated: 2025-04-09. Review status: criteria provided, single submitter. Criteria: ACMG Guidelines, 2015. Collection method: clinical testing. Allele origin: germline. Affected: no.

GeneDx
Classification: Likely benign. Last evaluated: 2020-05-05. Review status: criteria provided, single submitter. Criteria: GeneDx Variant Classification Process June 2021. Collection method: clinical testing. Allele origin: germline. Affected: yes.

Laboratory for Molecular Medicine, Mass General Brigham Personalized Medicine
Classification: Uncertain significance. Last evaluated: 2014-03-12. Review status: criteria provided, single submitter. Criteria: LMM Criteria. Collection method: clinical testing. Allele origin: germline. Observed: 1 variant allele.
Comment: The Thr20238Ile variant in TTN has not been previously reported in individuals w ith cardiomyopathy or in large population studies. Computational prediction tool s and conservation analysis do not provide strong support for or against an impa ct to the protein. Additional information is needed to fully assess the clinical significance of the Thr20238Ile variant.

Literature cited by the submitters: PubMed 23396983 (cited by Women's Health and Genetics/Laboratory Corporation of America, LabCorp).